The following is an entry in ClinVar:

NM_001267550.2(TTN):c.35798-12A>G

Gene: TTN (titin; minus strand). Cytogenetic location: 2q31.2.
Variant type: single nucleotide variant.
Coding change: c.35798-12A>G on transcript NM_001267550.2 (MANE Select); 12 bases into the intron before coding-DNA position 35798, A replaced by G.
Molecular consequence: intron variant.
Genome position (GRCh38, 1-based): chr2:178,666,913, T>C on the plus strand (A>G on the coding strand, the complement: TTN is on the minus strand). VCF-style: chr2-178666913-T-C. GRCh37 (hg19) VCF-style: chr2-179531640-T-C.
Other names: c.13283-24596A>G (NM_003319.4); c.13859-24596A>G (NM_133437.4); c.13658-24596A>G (NM_133432.3); c.31483+3305A>G (NM_133378.4); c.34264+3305A>G (NM_001256850.1).
Identifiers: ClinVar variation 4854196 (VCV004854196.1).

ClinVar aggregate classification (germline): Uncertain significance (1 of 4 stars; one submission).

Conditions:
Early-onset myopathy with fatal cardiomyopathy (CMYO5). Also called: Salih Myopathy; CONGENITAL MYOPATHY 5 WITH CARDIOMYOPATHY. Identifiers: Orphanet 289377, MedGen C2673677, MONDO:0012714, OMIM 611705. Disease mechanism: loss of function.

Submission:

3billion
Classification: Uncertain significance for Early-onset myopathy with fatal cardiomyopathy. Last evaluated: 2025-08-04. Review status: criteria provided, single submitter. Criteria: ACMG Guidelines, 2015. Collection method: clinical testing. Allele origin: germline. Affected: yes.
Comment: The variant is not observed in the gnomAD v4.1.0 dataset. Predicted Consequence/Location: Intron variant In silico tools predict the variant to alter splicing and produce an abnormal transcript [SpliceAI: 0.81 (>=0.2, moderate evidence for spliceogenicity)]. Therefore, this variant is classified as VUS according to the recommendation of ACMG/AMP guideline.